The following is an entry in ClinVar:

ClinVar aggregate classification (germline): Likely benign. Review status: criteria provided, single submitter (1 of 4 stars). 3 submissions from 3 submitters: Likely benign (1). 2 of the submissions do not count toward it. Last evaluated 2023-03-01.

Conditions:
EBV-positive nodal T- and NK-cell lymphoma.
SCRIB-related disorder. Also called: SCRIB-related condition.

Allele frequency attached by ClinVar (database versions not stated): ESP Exome Variant Server 0.00008; gnomAD 0.00009; TOPMed 0.00009; 1000 Genomes Project 30x 0.00016; 1000 Genomes Project 0.00020.
gnomAD v4.1: 210 of 1,610,432 alleles (0.013%); highest among the groups gnomAD compares: Middle Eastern, 0.33%; 2 homozygotes.

Submissions (3):

CeGaT Center for Human Genetics Tuebingen
Classification: Likely benign. Last evaluated: 2023-03-01. Review status: criteria provided, single submitter. Criteria: CeGaT Center For Human Genetics Tuebingen Variant Classification Criteria Version 2. Collection method: clinical testing. Allele origin: germline. Affected: yes. Observed: 1 variant allele.
Comment: SCRIB: BP4, BP7

PreventionGenetics, part of Exact Sciences
Classification: Likely benign for SCRIB-related condition. Last evaluated: 2019-09-19. Review status: no assertion criteria provided. Collection method: clinical testing. Allele origin: germline. Not counted in ClinVar's aggregate classification.
Comment: This variant is classified as likely benign based on ACMG/AMP sequence variant interpretation guidelines (Richards et al. 2015 PMID: 25741868, with internal and published modifications).

Department of Clinical Pathology, School of Medicine, Fujita Health University
Classification: Likely benign for EBV-positive nodal T- and NK-cell lymphoma. Review status: no assertion criteria provided. Collection method: research. Allele origin: unknown. Affected: yes. Not counted in ClinVar's aggregate classification.

NM_182706.5(SCRIB):c.717C>T (p.Leu239=)

Gene: SCRIB (scribble planar cell polarity protein; minus strand). Cytogenetic location: 8q24.3.
Variant type: single nucleotide variant.
Coding change: c.717C>T on transcript NM_182706.5 (MANE Select); coding-DNA position 717, C replaced by T.
Protein change: p.Leu239=; no amino-acid change (leucine 239 retained).
Molecular consequence: synonymous variant.
Genome position (GRCh38, 1-based): chr8:143,812,887, G>A on the plus strand (C>T on the coding strand, the complement: SCRIB is on the minus strand). VCF-style: chr8-143812887-G-A. GRCh37 (hg19) VCF-style: chr8-144895057-G-A.
Other names: c.717C>T, p.Leu239= (NM_015356.5); c.717C>T (NM_182706.4).
Identifiers: ClinVar variation 2658916 (VCV002658916.25), dbSNP rs201346981, ClinGen allele CA187612661.